The following is an entry in ClinVar:

NM_014780.5(CUL7):c.2753C>T (p.Thr918Met)

Gene: CUL7 (cullin 7; minus strand). Cytogenetic location: 6p21.1.
Variant type: single nucleotide variant.
Coding change: c.2753C>T on transcript NM_014780.5 (MANE Select); coding-DNA position 2753, C replaced by T.
Protein change: p.Thr918Met; replaces threonine 918 with methionine.
Molecular consequence: missense variant.
Genome position (GRCh38, 1-based): chr6:43,045,999, G>A on the plus strand (C>T on the coding strand, the complement: CUL7 is on the minus strand). VCF-style: chr6-43045999-G-A. GRCh37 (hg19) VCF-style: chr6-43013737-G-A.
Other names: c.2849C>T, p.Thr950Met (NM_001168370.2, NM_001374872.1); c.2753C>T, p.Thr918Met (NM_001374873.1, NM_001374874.1); c.2753C>T (NM_014780.4); short protein forms T918M, T950M.
Identifiers: ClinVar variation 497215 (VCV000497215.12), dbSNP rs368479196, ClinGen allele CA3813723.

ClinVar aggregate classification (germline): Uncertain significance. Review status: criteria provided, multiple submitters, no conflicts (2 of 4 stars). 3 submissions from 3 submitters: Uncertain significance (3). Last evaluated 2024-12-31.

Conditions:
Inborn genetic diseases. Identifiers: MedGen C0950123, MeSH D030342.

Allele frequency attached by ClinVar (database versions not stated): gnomAD 0.00003; ESP Exome Variant Server 0.00008; TOPMed 0.00009; ExAC 0.00004; gnomAD exomes 0.00005.
gnomAD v4.1: 39 of 1,613,608 alleles (0.0024%); highest among the groups gnomAD compares: African/African-American, 0.027%; no homozygotes.

Submissions (3):

Ambry Genetics
Classification: Uncertain significance for Inborn genetic diseases. Last evaluated: 2024-12-31. Review status: criteria provided, single submitter. Criteria: Ambry Variant Classification Scheme 2023. Collection method: clinical testing. Allele origin: germline.

Labcorp Genetics (formerly Invitae), Labcorp
Classification: Uncertain significance. Last evaluated: 2021-08-26. Review status: criteria provided, single submitter. Criteria: Invitae Variant Classification Sherloc (09022015). Collection method: clinical testing. Allele origin: germline.
Comment: This sequence change replaces threonine with methionine at codon 918 of the CUL7 protein (p.Thr918Met). The threonine residue is highly conserved and there is a moderate physicochemical difference between threonine and methionine. This variant is present in population databases (rs368479196, ExAC 0.03%). This variant has not been reported in the literature in individuals affected with CUL7-related conditions. ClinVar contains an entry for this variant (Variation ID: 497215). Algorithms developed to predict the effect of missense changes on protein structure and function are either unavailable or do not agree on the potential impact of this missense change (SIFT: "Deleterious"; PolyPhen-2: "Probably Damaging"; Align-GVGD: "Class C0"). In summary, the available evidence is currently insufficient to determine the role of this variant in disease. Therefore, it has been classified as a Variant of Uncertain Significance.

Eurofins Ntd Llc (ga)
Classification: Uncertain significance. Last evaluated: 2016-10-03. Review status: criteria provided, single submitter. Criteria: EGL Classification Definitions 2015. Collection method: clinical testing. Allele origin: germline. Observed: 1 variant allele, 1 heterozygote.